The following is an entry in ClinVar:

ClinVar aggregate classification (germline): Benign. Review status: reviewed by expert panel (3 of 4 stars). 7 submissions from 7 submitters: Benign (1). 6 of the submissions do not count toward it. Last evaluated 2025-09-29.

Conditions:
AIPL1-related retinopathy. Also called: AIPL1 retinopathy. Identifiers: MedGen CN305590, MONDO:0100438.
Leber congenital amaurosis 4 (LCA4). Identifiers: MedGen C1858386, MONDO:0011458, OMIM 604393.

Allele frequency attached by ClinVar (database versions not stated): 1000 Genomes Project 0.00619; 1000 Genomes Project 30x 0.00687; TOPMed 0.01623; gnomAD 0.01903 and 0.02008; gnomAD exomes 0.02056 and 0.02731; ESP Exome Variant Server 0.02107; ExAC 0.02192.
gnomAD v4.1: 42,228 of 1,613,834 alleles (2.6%); highest among the groups gnomAD compares: Non-Finnish European, 3.1%; 748 homozygotes.

Submissions (7):

ClinGen Leber Congenital Amaurosis/early Onset Retinal Dystrophy Variant Curation Expert Panel, ClinGen
Classification: Benign for AIPL1-related retinopathy. Last evaluated: 2025-09-29. Review status: reviewed by expert panel. Criteria: ClinGen LCAeoRD ACMG Specifications AIPL1 V1.0.0. Collection method: curation. Allele origin: germline. Inheritance: Autosomal recessive inheritance.
Comment: NM_014336.5(AIPL1):c.111C>T (p.Phe37=) is a synonymous variant in exon 2 of 6. The change from C to T at c.111 is not predicted to change the amino acid phenylalanine at position p.37. This variant is present in gnomAD v.4.1.0 at a Grpmax allele frequency of 0.03109, with 37005 alleles / 1,179,952 total alleles in the European (non-Finnish) population, which is higher than the ClinGen LCA/eoRD VCEP BA1 threshold of >0.0057 (BA1). Additionally, the variant has been found in the homozygous state in 748 adult individuals in gnomAD which exceeds the LCA/eoRD VCEP threshold of ≥6 (gnomAD version 4.1.0; BS2). The splicing impact predictor SpliceAI gives a delta score of 0.08, which is below the ClinGen LCA/eoRD VCEP recommended threshold of <0.1 and does not predict an impact on splicing (BP4, BP7). In summary, this variant meets the criteria to be classified as Benign for AIPL1-related retinopathy based on the ACMG/AMP criteria applied, as specified by the ClinGen LCA/eoRD VCEP: BA1, BS2, BP4, and BP7. (VCEP specifications version 1.0.0; date of approval 09/24/2025).

Labcorp Genetics (formerly Invitae), Labcorp
Classification: Benign for Leber congenital amaurosis 4. Last evaluated: 2026-02-03. Review status: criteria provided, single submitter. Criteria: Invitae Variant Classification Sherloc (09022015). Collection method: clinical testing. Allele origin: germline. Not counted in ClinVar's aggregate classification.

GeneDx
Classification: Benign. Last evaluated: 2018-06-29. Review status: criteria provided, single submitter. Criteria: GeneDx Variant Classification Process June 2021. Collection method: clinical testing. Allele origin: germline. Affected: yes. Not counted in ClinVar's aggregate classification.

Illumina Laboratory Services, Illumina
Classification: Likely benign for Leber congenital amaurosis 4. Last evaluated: 2018-01-12. Review status: criteria provided, single submitter. Criteria: ICSL Variant Classification Criteria 13 December 2019. Collection method: clinical testing. Allele origin: germline. Not counted in ClinVar's aggregate classification.
Comment: This variant was observed in the ICSL laboratory as part of a predisposition screen in an ostensibly healthy population. It had not been previously curated by ICSL or reported in the Human Gene Mutation Database (HGMD: prior to June 1st, 2018), and was therefore a candidate for classification through an automated scoring system. Utilizing variant allele frequency, disease prevalence and penetrance estimates, and inheritance mode, an automated score was calculated to assess if this variant is too frequent to cause the disease. Based on the score and internal cut-off values, a variant classified as likely benign is not then subjected to further curation. The score for this variant resulted in a classification of likely benign for this disease.

Breakthrough Genomics
Classification: Likely benign. Review status: criteria provided, single submitter. Criteria: ACMG Guidelines, 2015. Collection method: not provided. Allele origin: germline. Inheritance: Autosomal recessive inheritance. Affected: yes. Not counted in ClinVar's aggregate classification.

NEI Ophthalmic Genomics Laboratory, National Institutes of Health
No classification provided. Review status: no classification provided. Collection method: not provided. Allele origin: not provided. Not counted in ClinVar's aggregate classification.

Retina International
No classification provided. Review status: no classification provided. Collection method: not provided. Allele origin: not provided. Not counted in ClinVar's aggregate classification.

NM_014336.5(AIPL1):c.111C>T (p.Phe37=)

Gene: AIPL1 (AIP like 1 HSP90 co-chaperone; minus strand). Cytogenetic location: 17p13.2.
Variant type: single nucleotide variant.
Coding change: c.111C>T on transcript NM_014336.5 (MANE Select); coding-DNA position 111, C replaced by T.
Protein change: p.Phe37=; no amino-acid change (phenylalanine 37 retained).
Molecular consequence: synonymous variant. On other transcripts: 5 prime UTR variant (1), intron variant (3).
Genome position (GRCh38, 1-based): chr17:6,434,084, G>A on the plus strand (C>T on the coding strand, the complement: AIPL1 is on the minus strand). VCF-style: chr17-6434084-G-A. GRCh37 (hg19) VCF-style: chr17-6337404-G-A.
Other names: NM_014336.5(AIPL1):c.111C>T; p.Phe37=; c.111C>T, p.Phe37= (NM_001033054.3, NM_001285401.3, NM_001285403.4); c.-7C>T (NM_001285402.2); c.96+925C>T (NM_001033055.3); c.97-52C>T (NM_001285400.3); c.97-22C>T (NM_001285399.3).
Identifiers: ClinVar variation 99789 (VCV000099789.16), dbSNP rs11650007, ClinGen allele CA227864.
Genomic context (GRCh38, chr17:6,434,084, plus strand): 5'-CTGGCCCACCTGCCGACTGTCGTCAATGACTGTCCGCTCCTCATCACATTTCATGGTGCG[G>A]AAATGAAAGATCACCTAGTCACCGAGACGGTGCACTCTGCTCTAGACACACTGTTCAAGG-3'
Protein context (NP_055151.3, residues 27-47): FITGSRVIFH[Phe37=]RTMKCDEERT